The following is an entry in ClinVar:

ClinVar aggregate classification (germline): Likely benign (1 of 4 stars; one submission).

gnomAD v4.1: 64 of 1,612,298 alleles (0.004%); highest among the groups gnomAD compares: Middle Eastern, 0.099%; 1 homozygote.

Submission:

CeGaT Center for Human Genetics Tuebingen
Classification: Likely benign. Last evaluated: 2025-12-01. Review status: criteria provided, single submitter. Criteria: CeGaT Center For Human Genetics Tuebingen Variant Classification Criteria Version 2. Collection method: clinical testing. Allele origin: germline. Affected: yes. Observed: 2 variant alleles.
Comment: ANKRD28: BP4, BP7

NM_001349278.2(ANKRD28):c.1896C>T (p.Leu632=)

Genes: ANKRD28 (ankyrin repeat domain 28; minus strand), BTD (biotinidase; plus strand). Cytogenetic location: 3p25.1.
Variant type: single nucleotide variant.
Coding change: c.1896C>T on transcript NM_001349278.2 (MANE Select); coding-DNA position 1896, C replaced by T.
Protein change: p.Leu632=; no amino-acid change (leucine 632 retained).
Molecular consequence: synonymous variant. On other transcripts: non-coding transcript variant (2), intron variant (3).
Genome position (GRCh38, 1-based): chr3:15,690,086, G>A on the plus strand (C>T on the coding strand, the complement: ANKRD28 is on the minus strand). VCF-style: chr3-15690086-G-A. GRCh37 (hg19) VCF-style: chr3-15731593-G-A.
Other names: c.1344C>T, p.Leu448= (NM_001195098.1, NM_001195099.2, NM_001349283.2); c.1905C>T, p.Leu635= (NM_001349277.2); c.1797C>T, p.Leu599= (NM_001349279.2); c.1638C>T, p.Leu546= (NM_001349280.1, NM_001349281.2, NM_001349282.2); c.1806C>T, p.Leu602= (NM_015199.4); c.1016-31684G>A (NM_001370752.1, NM_001407379.1); c.400-20313G>A (NM_001370753.1).
Identifiers: ClinVar variation 3905106 (VCV003905106.10).